The following is an entry in ClinVar:

NM_018263.6(ASXL2):c.1529C>T (p.Ser510Phe)

Gene: ASXL2 (ASXL transcriptional regulator 2; minus strand). Cytogenetic location: 2p23.3.
Variant type: single nucleotide variant.
Coding change: c.1529C>T on transcript NM_018263.6 (MANE Select); coding-DNA position 1529, C replaced by T.
Protein change: p.Ser510Phe; replaces serine 510 with phenylalanine.
Molecular consequence: missense variant.
Genome position (GRCh38, 1-based): chr2:25,750,027, G>A on the plus strand (C>T on the coding strand, the complement: ASXL2 is on the minus strand). VCF-style: chr2-25750027-G-A. GRCh37 (hg19) VCF-style: chr2-25972896-G-A.
Other names: c.1355C>T, p.Ser452Phe (NM_001369346.1); c.749C>T, p.Ser250Phe (NM_001369347.1); short protein forms S250F, S452F, S510F.
Identifiers: ClinVar variation 2429270 (VCV002429270.3), dbSNP rs2088016577, ClinGen allele CA346075577.

ClinVar aggregate classification (germline): Uncertain significance (1 of 4 stars; one submission).

Allele frequency attached by ClinVar (database versions not stated): TOPMed below 0.00001.

Submission:

Women's Health and Genetics/Laboratory Corporation of America, LabCorp
Classification: Uncertain significance. Last evaluated: 2023-01-05. Review status: criteria provided, single submitter. Criteria: LabCorp Variant Classification Summary - May 2015. Collection method: clinical testing. Allele origin: germline.
Comment: Variant summary: ASXL2 c.1529C>T (p.Ser510Phe) results in a non-conservative amino acid change in the encoded protein sequence. Three of five in-silico tools predict a damaging effect of the variant on protein function. The variant was absent in 249250 control chromosomes (gnomAD). The available data on variant occurrences in the general population are insufficient to allow any conclusion about variant significance. To our knowledge, no occurrence of c.1529C>T in individuals affected with Shashi-Pena Syndrome and no experimental evidence demonstrating its impact on protein function have been reported. No clinical diagnostic laboratories have submitted clinical-significance assessments for this variant to ClinVar after 2014. Based on the evidence outlined above, the variant was classified as uncertain significance.